The following is an entry in ClinVar:

NM_017849.4(TMEM127):c.12del (p.Gly5fs)

Genes: TMEM127 (transmembrane protein 127; minus strand), LOC129934333 (ATAC-STARR-seq lymphoblastoid silent region 11759; plus strand). Cytogenetic location: 2q11.2.
Variant type: Deletion.
Coding change: c.12del on transcript NM_017849.4 (MANE Select); coding-DNA position 12, one base deleted (C; older notation c.12delC).
Protein change: p.Gly5fs; shifts the reading frame from glycine 5.
Molecular consequence: frameshift variant.
Genome position (GRCh38, 1-based): chr2:96,265,370, G deleted on the plus strand (C on the coding strand, the reverse complement: TMEM127 is on the minus strand); the first of 5 consecutive G bases (chr2:96,265,370-96,265,374); deleting any one gives the same sequence. VCF-style (leftmost placement, unchanged base first): chr2-96265369-CG-C. GRCh37 (hg19) VCF-style: chr2-96931107-CG-C.
Other names: c.12del, p.Gly5fs (NM_001193304.3); c.12delC (NM_017849.4, NM_017849.3); short protein forms G5fs.
Identifiers: ClinVar variation 1069038 (VCV001069038.9), dbSNP rs2104308592, ClinGen allele CA2499216309.

ClinVar aggregate classification (germline): Pathogenic. Review status: criteria provided, multiple submitters, no conflicts (2 of 4 stars). 3 submissions from 3 submitters: Pathogenic (3). Last evaluated 2026-01-09.

Conditions:
Hereditary cancer-predisposing syndrome. Also called: Tumor predisposition; Neoplastic Syndromes, Hereditary; Hereditary Cancer Syndrome; Hereditary neoplastic syndrome. Identifiers: Orphanet 140162, MedGen C0027672, MeSH D009386, MONDO:0015356.
Hereditary pheochromocytoma and paraganglioma. Also called: Hereditary paragangliomas and pheochromocytomas; Hereditary pheochromocytoma-paraganglioma; Hereditary Paraganglioma-Pheochromocytoma Syndromes. Identifiers: Orphanet 29072, MedGen C4274332, MONDO:0017366.

Submissions (3):

Ambry Genetics
Classification: Pathogenic for Hereditary cancer-predisposing syndrome. Last evaluated: 2026-01-09. Review status: criteria provided, single submitter. Criteria: Ambry Variant Classification Scheme 2023. Collection method: clinical testing. Allele origin: germline.
Comment: The c.12delC (p.G5Efs*76) alteration, located in exon 2 (coding exon 1) of the TMEM127 gene, consists of a deletion of one nucleotide at position 12, causing a translational frameshift with a predicted alternate stop codon after 76 amino acids. This alteration is expected to result in loss of function by premature protein truncation or nonsense-mediated mRNA decay. This variant was not reported in population-based cohorts in the Genome Aggregation Database (gnomAD). Based on the available evidence, this alteration is classified as pathogenic.

Women's Health and Genetics/Laboratory Corporation of America, LabCorp
Classification: Pathogenic for Hereditary pheochromocytoma and paraganglioma. Last evaluated: 2024-12-20. Review status: criteria provided, single submitter. Criteria: LabCorp Variant Classification Summary - May 2015. Collection method: clinical testing. Allele origin: germline.
Comment: Variant summary: TMEM127 c.12delC (p.Gly5GlufsX76) results in a premature termination codon, predicted to cause a truncation of the encoded protein or absence of the protein due to nonsense mediated decay, which are commonly known mechanisms for disease. The variant was absent in 69784 control chromosomes (gnomAD). To our knowledge, no occurrence of c.12delC in individuals affected with Hereditary Paraganglioma-Pheochromocytoma Syndrome and no experimental evidence demonstrating its impact on protein function have been reported. ClinVar contains an entry for this variant (Variation ID: 1069038). Based on the evidence outlined above, the variant was classified as pathogenic.

Labcorp Genetics (formerly Invitae), Labcorp
Classification: Pathogenic for Hereditary pheochromocytoma and paraganglioma. Last evaluated: 2024-09-27. Review status: criteria provided, single submitter. Criteria: Invitae Variant Classification Sherloc (09022015). Collection method: clinical testing. Allele origin: germline.
Comment: This sequence change creates a premature translational stop signal (p.Gly5Glufs*76) in the TMEM127 gene. It is expected to result in an absent or disrupted protein product. Loss-of-function variants in TMEM127 are known to be pathogenic (PMID: 20154675, 21156949). This variant is not present in population databases (gnomAD no frequency). This variant has not been reported in the literature in individuals affected with TMEM127-related conditions. ClinVar contains an entry for this variant (Variation ID: 1069038). For these reasons, this variant has been classified as Pathogenic.

Literature cited by the submitters: PubMed 20154675 (cited by Labcorp Genetics (formerly Invitae), Labcorp); PubMed 21156949 (cited by Labcorp Genetics (formerly Invitae), Labcorp).